The following is an entry in ClinVar:

NM_020975.6(RET):c.34C>T (p.Arg12Cys)

Gene: RET (ret proto-oncogene; plus strand). Cytogenetic location: 10q11.21.
Variant type: single nucleotide variant.
Coding change: c.34C>T on transcript NM_020975.6 (MANE Select); coding-DNA position 34, C replaced by T.
Protein change: p.Arg12Cys; replaces arginine 12 with cysteine.
Molecular consequence: missense variant.
Genome position (GRCh38, 1-based): chr10:43,077,292, C>T. VCF-style: chr10-43077292-C-T. GRCh37 (hg19) VCF-style: chr10-43572740-C-T.
Other names: c.34C>T, p.Arg12Cys (NM_000323.2, NM_001406743.1, NM_001406744.1 and 38 more transcripts); short protein forms R12C.
Identifiers: ClinVar variation 2785488 (VCV002785488.4), dbSNP rs2132498232, ClinGen allele CA376768058.
Genomic context (GRCh38, chr10:43,077,292, plus strand): 5'-CAGCCGTGGCCCCAGCGCGCACGGGCGATGGCGAAGGCGACGTCCGGTGCCGCGGGGCTG[C>T]GTCTGCTGTTGCTGCTGCTGCTGCCGCTGCTAGGCAAAGGTGAGTTCTGCCGGCCGCCGG-3'
Protein context (NP_066124.1, residues 2-22): AKATSGAAGL[Arg12Cys]LLLLLLLPLL

ClinVar aggregate classification (germline): Uncertain significance. Review status: criteria provided, multiple submitters, no conflicts (2 of 4 stars). 2 submissions from 2 submitters: Uncertain significance (2). Last evaluated 2026-06-17.

Conditions:
Multiple endocrine neoplasia, type 2 (MEN2). Identifiers: Orphanet 653, MedGen C4048306, MONDO:0019003. Disease mechanism: gain of function.
Hereditary cancer-predisposing syndrome. Also called: Hereditary Cancer Syndrome; Hereditary neoplastic syndrome; Neoplastic Syndromes, Hereditary; Tumor predisposition. Identifiers: Orphanet 140162, MedGen C0027672, MeSH D009386, MONDO:0015356.

Submissions (2):

Ambry Genetics
Classification: Uncertain significance for Hereditary cancer-predisposing syndrome. Last evaluated: 2026-06-17. Review status: criteria provided, single submitter. Criteria: Ambry Variant Classification Scheme 2023. Collection method: clinical testing. Allele origin: germline.
Comment: The p.R12C variant (also known as c.34C>T), located in coding exon 1 of the RET gene, results from a C to T substitution at nucleotide position 34. The arginine at codon 12 is replaced by cysteine, an amino acid with highly dissimilar properties. This amino acid position is well conserved in available vertebrate species. In addition, the in silico prediction for this alteration is inconclusive. Based on the available evidence, the clinical significance of this variant remains unclear.

Labcorp Genetics (formerly Invitae), Labcorp
Classification: Uncertain significance for Multiple endocrine neoplasia, type 2. Last evaluated: 2024-04-22. Review status: criteria provided, single submitter. Criteria: Invitae Variant Classification Sherloc (09022015). Collection method: clinical testing. Allele origin: germline.
Comment: This sequence change replaces arginine, which is basic and polar, with cysteine, which is neutral and slightly polar, at codon 12 of the RET protein (p.Arg12Cys). This variant is not present in population databases (gnomAD no frequency). This variant has not been reported in the literature in individuals affected with RET-related conditions. An algorithm developed to predict the effect of missense changes on protein structure and function (PolyPhen-2) suggests that this variant is likely to be tolerated. In summary, the available evidence is currently insufficient to determine the role of this variant in disease. Therefore, it has been classified as a Variant of Uncertain Significance.